The following is an entry in ClinVar:

NM_000350.3(ABCA4):c.3175G>T (p.Ala1059Ser)

Gene: ABCA4 (ATP binding cassette subfamily A member 4; minus strand). Cytogenetic location: 1p22.1.
Variant type: single nucleotide variant.
Coding change: c.3175G>T on transcript NM_000350.3 (MANE Select); coding-DNA position 3175, G replaced by T.
Protein change: p.Ala1059Ser; replaces alanine 1059 with serine.
Molecular consequence: missense variant.
Genome position (GRCh38, 1-based): chr1:94,043,351, C>A on the plus strand (G>T on the coding strand, the complement: ABCA4 is on the minus strand). VCF-style: chr1-94043351-C-A. GRCh37 (hg19) VCF-style: chr1-94508907-C-A.
Other names: c.3175G>T (NM_000350.2); c.2953G>T, p.Ala985Ser (NM_001425324.1); short protein forms A1059S, A985S.
Identifiers: ClinVar variation 1962316 (VCV001962316.7), dbSNP rs765972338, ClinGen allele CA958033.

ClinVar aggregate classification (germline): Uncertain significance. Review status: criteria provided, multiple submitters, no conflicts (2 of 4 stars). 3 submissions from 3 submitters: Uncertain significance (3). Last evaluated 2024-10-30.

Conditions:
ABCA4-related disorder. Also called: ABCA4-related condition; ABCA4-related disorders. Identifiers: MedGen CN239167.

Allele frequency attached by ClinVar (database versions not stated): TOPMed below 0.00001; gnomAD 0.00001; ExAC 0.00002.
gnomAD v4.1: 7 of 1,613,956 alleles (0.00043%); highest among the groups gnomAD compares: African/African-American, 0.0027%; no homozygotes.

Submissions (3):

PreventionGenetics, part of Exact Sciences
Classification: Uncertain significance for ABCA4-related condition. Last evaluated: 2024-10-30. Review status: criteria provided, single submitter. Criteria: ACMG Guidelines, 2015. Collection method: clinical testing. Allele origin: germline.
Comment: The ABCA4 c.3175G>T variant is predicted to result in the amino acid substitution p.Ala1059Ser. To our knowledge, this variant has not been reported in the literature. This variant is reported in 0.0026% of alleles in individuals of European (Non-Finnish) descent in gnomAD. At this time, the clinical significance of this variant is uncertain due to the absence of conclusive functional and genetic evidence.

Blueprint Genetics
Classification: Uncertain significance. Last evaluated: 2024-09-10. Review status: criteria provided, single submitter. Criteria: ACMG Guidelines, 2015. Collection method: clinical testing. Allele origin: germline.

Labcorp Genetics (formerly Invitae), Labcorp
Classification: Uncertain significance. Last evaluated: 2024-01-19. Review status: criteria provided, single submitter. Criteria: Invitae Variant Classification Sherloc (09022015). Collection method: clinical testing. Allele origin: germline.
Comment: This sequence change replaces alanine, which is neutral and non-polar, with serine, which is neutral and polar, at codon 1059 of the ABCA4 protein (p.Ala1059Ser). This variant is present in population databases (rs765972338, gnomAD 0.003%). This variant has not been reported in the literature in individuals affected with ABCA4-related conditions. ClinVar contains an entry for this variant (Variation ID: 1962316). Advanced modeling of protein sequence and biophysical properties (such as structural, functional, and spatial information, amino acid conservation, physicochemical variation, residue mobility, and thermodynamic stability) has been performed at Invitae for this missense variant, however the output from this modeling did not meet the statistical confidence thresholds required to predict the impact of this variant on ABCA4 protein function. In summary, the available evidence is currently insufficient to determine the role of this variant in disease. Therefore, it has been classified as a Variant of Uncertain Significance.